The following is an entry in ClinVar:

ClinVar aggregate classification (germline): Pathogenic (1 of 4 stars; one submission).

Conditions:
Congenital sideroblastic anemia-B-cell immunodeficiency-periodic fever-developmental delay syndrome. Also called: Sideroblastic anemia with B-cell immunodeficiency, periodic fevers, and developmental delay. Identifiers: Orphanet 369861, MedGen C4015172, MONDO:0014487, OMIM 616084.

Submission:

Labcorp Genetics (formerly Invitae), Labcorp
Classification: Pathogenic for Congenital sideroblastic anemia-B-cell immunodeficiency-periodic fever-developmental delay syndrome. Last evaluated: 2020-02-22. Review status: criteria provided, single submitter. Criteria: Invitae Variant Classification Sherloc (09022015). Collection method: clinical testing. Allele origin: germline.
Comment: This sequence change creates a premature translational stop signal (p.Ile245Asnfs*5) in the TRNT1 gene. It is expected to result in an absent or disrupted protein product. This variant is not present in population databases (ExAC no frequency). This variant has not been reported in the literature in individuals with TRNT1-related conditions. For these reasons, this variant has been classified as Pathogenic. Loss-of-function variants in TRNT1 are known to be pathogenic (PMID: 25193871).

Literature cited by the submitters: PubMed 25193871.

NM_182916.3(TRNT1):c.733dup (p.Ile245fs)

Gene: TRNT1 (tRNA nucleotidyl transferase 1; plus strand). Cytogenetic location: 3p26.2.
Variant type: Duplication.
Coding change: c.733dup on transcript NM_182916.3 (MANE Select); coding-DNA position 733, one base duplicated (A; older notation c.733dupA).
Protein change: p.Ile245fs; shifts the reading frame from isoleucine 245.
Molecular consequence: frameshift variant. On other transcripts: non-coding transcript variant (6).
Genome position (GRCh38, 1-based): chr3:3,146,554, A duplicated; the last of 7 consecutive A bases (chr3:3,146,548-3,146,554); duplicating any one gives the same sequence. VCF-style (leftmost placement, unchanged base first): chr3-3146547-G-GA. GRCh37 (hg19) VCF-style: chr3-3188231-G-GA.
Other names: c.733dup, p.Ile245fs (NM_001302946.2, NM_001367321.1, NM_001367322.1 and 1 more transcripts); short protein forms I245fs.
Identifiers: ClinVar variation 959702 (VCV000959702.6), dbSNP rs1706032688, ClinGen allele CA1139657826.